The following is an entry in ClinVar:

ClinVar aggregate classification (germline): Uncertain significance. Review status: criteria provided, multiple submitters, no conflicts (2 of 4 stars). 3 submissions from 3 submitters: Uncertain significance (3). Last evaluated 2025-09-10.

Conditions:
Cardiovascular phenotype. Identifiers: MedGen CN230736.
Hereditary cancer-predisposing syndrome. Also called: Hereditary Cancer Syndrome; Hereditary neoplastic syndrome; Neoplastic Syndromes, Hereditary; Tumor predisposition. Identifiers: Orphanet 140162, MedGen C0027672, MeSH D009386, MONDO:0015356.
Noonan syndrome 10 (NS10). Identifiers: Orphanet 648, MedGen C4225280, MONDO:0014693, OMIM 616564.

Submissions (3):

Ambry Genetics
Classification: Uncertain significance for Cardiovascular phenotype; Hereditary cancer-predisposing syndrome. Last evaluated: 2025-09-10. Review status: criteria provided, single submitter. Criteria: Ambry Variant Classification Scheme 2023. Collection method: clinical testing. Allele origin: germline.
Comment: The p.T406K variant (also known as c.1217C>A), located in coding exon 11 of the LZTR1 gene, results from a C to A substitution at nucleotide position 1217. The threonine at codon 406 is replaced by lysine, an amino acid with similar properties. This amino acid position is conserved. In addition, this alteration is predicted to be deleterious by in silico analysis. Based on the available evidence, the clinical significance of this variant remains unclear.

Labcorp Genetics (formerly Invitae), Labcorp
Classification: Uncertain significance. Last evaluated: 2025-06-29. Review status: criteria provided, single submitter. Criteria: Invitae Variant Classification Sherloc (09022015). Collection method: clinical testing. Allele origin: germline.
Comment: This sequence change replaces threonine, which is neutral and polar, with lysine, which is basic and polar, at codon 406 of the LZTR1 protein (p.Thr406Lys). This variant is not present in population databases (gnomAD no frequency). This variant has not been reported in the literature in individuals affected with LZTR1-related conditions. ClinVar contains an entry for this variant (Variation ID: 1751910). Invitae Evidence Modeling of protein sequence and biophysical properties (such as structural, functional, and spatial information, amino acid conservation, physicochemical variation, residue mobility, and thermodynamic stability) indicates that this missense variant is not expected to disrupt LZTR1 protein function with a negative predictive value of 80%. In summary, the available evidence is currently insufficient to determine the role of this variant in disease. Therefore, it has been classified as a Variant of Uncertain Significance.

St. Jude Molecular Pathology, St. Jude Children's Research Hospital
Classification: Uncertain significance for Noonan syndrome 10. Last evaluated: 2025-06-17. Review status: criteria provided, single submitter. Criteria: St. Jude Assertion Criteria 2020. Collection method: clinical testing. Allele origin: germline.
Comment: The LZTR1 c.1217C>A p.(Thr406Lys) missense change is absent in gnomAD v2.1.1. The in silico tool REVEL is inconclusive about a pathogenic or benign effect of this variant on protein function, and to our knowledge functional studies have not been performed. To our knowledge, this variant has not been reported in individuals with Noonan syndrome or schwannomatosis. In summary, the evidence currently available is insufficient to determine the clinical significance of this variant. It has therefore been classified as of uncertain significance.

NM_006767.4(LZTR1):c.1217C>A (p.Thr406Lys)

Gene: LZTR1 (leucine zipper like post translational regulator 1; plus strand). Cytogenetic location: 22q11.21.
Variant type: single nucleotide variant.
Coding change: c.1217C>A on transcript NM_006767.4 (MANE Select); coding-DNA position 1217, C replaced by A.
Protein change: p.Thr406Lys; replaces threonine 406 with lysine.
Molecular consequence: missense variant.
Genome position (GRCh38, 1-based): chr22:20,992,861, C>A. VCF-style: chr22-20992861-C-A. GRCh37 (hg19) VCF-style: chr22-21347150-C-A.
Other names: short protein forms T406K.
Identifiers: ClinVar variation 1751910 (VCV001751910.6), dbSNP rs375451574, ClinGen allele CA410773950.
Genomic context (GRCh38, chr22:20,992,861, plus strand): 5'-GTGGGAGGCTCTTCCACGCGGCTGCTGTCATCTCGGACGCCATGTACATCTTCGGGGGCA[C>A]GGTGGACAACAACATCCGCAGCGGGGAGATGTACAGGTTCCAGGTGTGGGGCCTGTGGGC-3'
Protein context (NP_006758.2, residues 396-416): ISDAMYIFGG[Thr406Lys]VDNNIRSGEM